The following is an entry in ClinVar:

ClinVar aggregate classification (germline): Pathogenic (1 of 4 stars; one submission).

Conditions:
46,XY sex reversal 1. Also called: SRY-related 46,XY complete gonadal dysgenesis; 46,XY SEX REVERSAL, SRY-RELATED. Identifiers: Orphanet 242, MedGen C2748896, MONDO:0020712, OMIM 400044.

Submission:

Labcorp Genetics (formerly Invitae), Labcorp
Classification: Pathogenic for 46,XY sex reversal 1. Last evaluated: 2017-12-14. Review status: criteria provided, single submitter. Criteria: Invitae Variant Classification Sherloc (09022015). Collection method: clinical testing. Allele origin: germline.
Comment: For these reasons, this variant has been classified as Pathogenic. Multiple downstream truncating variants have been reported in individuals with SRY-related disease including the variant p.Glu122Asnfs*58, which has been determined to be pathogenic (PMID: 2247151). This suggests that deletion of this region of the SRY protein is causative of disease. This variant has not been reported in the literature in individuals with SRY-related disease. This variant is not present in population databases (ExAC no frequency). This sequence change results in a premature translational stop signal in the SRY gene (p.Tyr96*). While this is not anticipated to result in nonsense mediated decay, it is expected to delete the last 109 amino acids of the SRY protein.

Literature cited by the submitters: PubMed 2247151.

NM_003140.3(SRY):c.288C>G (p.Tyr96Ter)

Gene: SRY (sex determining region Y; minus strand). Cytogenetic location: Yp11.2.
Variant type: single nucleotide variant.
Coding change: c.288C>G on transcript NM_003140.3 (MANE Select); coding-DNA position 288, C replaced by G.
Protein change: p.Tyr96Ter; replaces tyrosine 96 with a stop codon.
Molecular consequence: nonsense.
Genome position (GRCh38, 1-based): chrY:2,787,316, G>C on the plus strand (C>G on the coding strand, the complement: SRY is on the minus strand). VCF-style: chrY-2787316-G-C. GRCh37 (hg19) VCF-style: chrY-2655357-G-C.
Other names: short protein forms Y96*.
Identifiers: ClinVar variation 537738 (VCV000537738.8), dbSNP rs1556370548, ClinGen allele CA414941370.
Genomic context (GRCh38, chrY:2,787,316, plus strand): 5'-TAATTTCTGTGCCTCCTGGAAGAATGGCCATTTTTCGGCTTCAGTAAGCATTTTCCACTG[G>C]TATCCCAGCTGCTTGCTGATCTCTGAGTTTCGCATTCTGGGATTCTCTAGAGCCATCTTG-3'